The following is an entry in ClinVar:

NC_000023.11:g.(?_32287519)_(32365209_?)del

Gene: DMD (dystrophin; minus strand). Cytogenetic location: Xp21.1.
Variant type: Deletion.
Identifiers: ClinVar variation 643706 (VCV000643706.2).

ClinVar aggregate classification (germline): Pathogenic (1 of 4 stars; one submission).

Conditions:
Duchenne muscular dystrophy (DMD). Also called: MUSCULAR DYSTROPHY, PSEUDOHYPERTROPHIC PROGRESSIVE, DUCHENNE TYPE; Duchenne Muscular Dystrophy (DMD). Identifiers: Orphanet 98896, MedGen C0013264, MONDO:0010679, OMIM 310200.

Submission:

Labcorp Genetics (formerly Invitae), Labcorp
Classification: Pathogenic for Duchenne muscular dystrophy. Last evaluated: 2019-12-04. Review status: criteria provided, single submitter. Criteria: Invitae Variant Classification Sherloc (09022015). Collection method: clinical testing. Allele origin: germline.
Comment: This variant is an out-of-frame deletion of the genomic region encompassing exons 35-43 of the DMD gene. This is expected to create a premature translational stop signal and result in an absent or disrupted protein product. A similar deletion of exons 35-43 has been observed in an individual affected with Duchenne muscular dystrophy (PMID: 1301934). Loss-of-function variants in DMD are known to be pathogenic (PMID: 16770791, 25007885). For these reasons, this variant has been classified as Pathogenic.

Literature cited by the submitters: PubMed 1301934.